The following is an entry in ClinVar:

NM_000944.5(PPP3CA):c.124C>T (p.Arg42Cys)

Gene: PPP3CA (protein phosphatase 3 catalytic subunit alpha; minus strand). Cytogenetic location: 4q24.
Variant type: single nucleotide variant.
Coding change: c.124C>T on transcript NM_000944.5 (MANE Select); coding-DNA position 124, C replaced by T.
Protein change: p.Arg42Cys; replaces arginine 42 with cysteine.
Molecular consequence: missense variant.
Genome position (GRCh38, 1-based): chr4:101,196,051, G>A on the plus strand (C>T on the coding strand, the complement: PPP3CA is on the minus strand). VCF-style: chr4-101196051-G-A. GRCh37 (hg19) VCF-style: chr4-102117208-G-A.
Other names: c.124C>T, p.Arg42Cys (NM_001130691.2, NM_001130692.2); short protein forms R42C.
Identifiers: ClinVar variation 2779498 (VCV002779498.4), dbSNP rs767812589, ClinGen allele CA3024554.

ClinVar aggregate classification (germline): Uncertain significance. Review status: criteria provided, multiple submitters, no conflicts (2 of 4 stars). 2 submissions from 2 submitters: Uncertain significance (2). Last evaluated 2025-12-22.

Conditions:
Developmental and epileptic encephalopathy 91. Also called: EPILEPTIC ENCEPHALOPATHY, INFANTILE OR EARLY CHILDHOOD, 1. Identifiers: MedGen C4540199, MONDO:0020630, OMIM 617711.
Arthrogryposis, cleft palate, craniosynostosis, and impaired intellectual development. Identifiers: Orphanet 565858, MedGen C4748872, MONDO:0032642, OMIM 618265.

Allele frequency attached by ClinVar (database versions not stated): ExAC 0.00002.
gnomAD v4.1: 4 of 1,613,868 alleles (0.00025%); highest among the groups gnomAD compares: Admixed American, 0.0017%; no homozygotes.

Submissions (2):

Labcorp Genetics (formerly Invitae), Labcorp
Classification: Uncertain significance. Last evaluated: 2025-12-22. Review status: criteria provided, single submitter. Criteria: Invitae Variant Classification Sherloc (09022015). Collection method: clinical testing. Allele origin: germline.
Comment: This sequence change replaces arginine, which is basic and polar, with cysteine, which is neutral and slightly polar, at codon 42 of the PPP3CA protein (p.Arg42Cys). This variant is present in population databases (rs767812589, gnomAD 0.004%). This variant has not been reported in the literature in individuals affected with PPP3CA-related conditions. ClinVar contains an entry for this variant (Variation ID: 2779498). Invitae Evidence Modeling of protein sequence and biophysical properties (such as structural, functional, and spatial information, amino acid conservation, physicochemical variation, residue mobility, and thermodynamic stability) indicates that this missense variant is not expected to disrupt PPP3CA protein function with a negative predictive value of 80%. In summary, the available evidence is currently insufficient to determine the role of this variant in disease. Therefore, it has been classified as a Variant of Uncertain Significance.

Fulgent Genetics
Classification: Uncertain significance for Developmental and epileptic encephalopathy 91; Arthrogryposis, cleft palate, craniosynostosis, and impaired intellectual development. Last evaluated: 2024-02-12. Review status: criteria provided, single submitter. Criteria: ACMG Guidelines, 2015. Collection method: clinical testing. Allele origin: germline.